The following is an entry in ClinVar:

ClinVar aggregate classification (germline): Uncertain significance. Review status: criteria provided, multiple submitters, no conflicts (2 of 4 stars). 2 submissions from 2 submitters: Uncertain significance (2). Last evaluated 2025-08-20.

Conditions:
Inborn genetic diseases. Identifiers: MedGen C0950123, MeSH D030342.

Allele frequency attached by ClinVar (database versions not stated): gnomAD exomes below 0.00001; TOPMed 0.00002; gnomAD 0.00001.

Submissions (2):

Labcorp Genetics (formerly Invitae), Labcorp
Classification: Uncertain significance. Last evaluated: 2025-08-20. Review status: criteria provided, single submitter. Criteria: Invitae Variant Classification Sherloc (09022015). Collection method: clinical testing. Allele origin: germline.
Comment: This sequence change replaces methionine, which is neutral and non-polar, with isoleucine, which is neutral and non-polar, at codon 1259 of the ITPR1 protein (p.Met1259Ile). This variant is not present in population databases (gnomAD no frequency). This variant has not been reported in the literature in individuals affected with ITPR1-related conditions. ClinVar contains an entry for this variant (Variation ID: 2296644). Invitae Evidence Modeling of protein sequence and biophysical properties (such as structural, functional, and spatial information, amino acid conservation, physicochemical variation, residue mobility, and thermodynamic stability) indicates that this missense variant is not expected to disrupt ITPR1 protein function with a negative predictive value of 95%. In summary, the available evidence is currently insufficient to determine the role of this variant in disease. Therefore, it has been classified as a Variant of Uncertain Significance.

Ambry Genetics
Classification: Uncertain significance for Inborn genetic diseases. Last evaluated: 2022-06-24. Review status: criteria provided, single submitter. Criteria: Ambry Variant Classification Scheme 2023. Collection method: clinical testing. Allele origin: germline.

NM_001378452.1(ITPR1):c.3849G>A (p.Met1283Ile)

Gene: ITPR1 (inositol 1,4,5-trisphosphate receptor type 1; plus strand). Cytogenetic location: 3p26.1.
Variant type: single nucleotide variant.
Coding change: c.3849G>A on transcript NM_001378452.1 (MANE Select); coding-DNA position 3849, G replaced by A.
Protein change: p.Met1283Ile; replaces methionine 1283 with isoleucine.
Molecular consequence: missense variant.
Genome position (GRCh38, 1-based): chr3:4,691,164, G>A. VCF-style: chr3-4691164-G-A. GRCh37 (hg19) VCF-style: chr3-4732848-G-A.
Other names: c.3822G>A, p.Met1274Ile (NM_001099952.4); c.3804G>A, p.Met1268Ile (NM_001168272.2); c.3777G>A, p.Met1259Ile (NM_002222.7); short protein forms M1259I, M1283I, M1268I, M1274I.
Identifiers: ClinVar variation 2296644 (VCV002296644.4), dbSNP rs990376848, ClinGen allele CA68797621.
Genomic context (GRCh38, chr3:4,691,164, plus strand): 5'-TTGACTTGTCCCTGTGCTCTTTTCCTCACTCTTGTGCCAGATCCTGGAGGCAGTAACCAT[G>A]CAGCACATCTTCATGAACAATTTCCAGCTTTGCAGTGAGATCAACGAGAGAGTTGTTCAG-3'
Protein context (NP_001365381.1, residues 1273-1293): LNPGILEAVT[Met1283Ile]QHIFMNNFQL